The following is an entry in ClinVar:

ClinVar aggregate classification (germline): Uncertain significance (1 of 4 stars; one submission).

Conditions:
Fanconi anemia complementation group J. Also called: BRIP1-Related Fanconi Anemia. Identifiers: Orphanet 84, MedGen C1836860, MONDO:0012187, OMIM 609054.
Familial cancer of breast. Also called: hereditary breast carcinoma; BREAST CANCER, FAMILIAL; Hereditary breast cancer. Identifiers: Orphanet 227535, MedGen C0346153, MONDO:0016419, OMIM 114480. Disease mechanism: loss of function.

Submission:

Labcorp Genetics (formerly Invitae), Labcorp
Classification: Uncertain significance for Familial cancer of breast; Fanconi anemia complementation group J. Last evaluated: 2023-07-17. Review status: criteria provided, single submitter. Criteria: Invitae Variant Classification Sherloc (09022015). Collection method: clinical testing. Allele origin: germline.
Comment: This variant is not present in population databases (gnomAD no frequency). In summary, the available evidence is currently insufficient to determine the role of this variant in disease. Therefore, it has been classified as a Variant of Uncertain Significance. An algorithm developed to predict the effect of missense changes on protein structure and function (PolyPhen-2) suggests that this variant is likely to be tolerated. ClinVar contains an entry for this variant (Variation ID: 577686). This variant has not been reported in the literature in individuals affected with BRIP1-related conditions. This sequence change replaces valine, which is neutral and non-polar, with leucine, which is neutral and non-polar, at codon 1185 of the BRIP1 protein (p.Val1185Leu).

NM_032043.3(BRIP1):c.3553G>T (p.Val1185Leu)

Gene: BRIP1 (BRCA1 interacting DNA helicase 1; minus strand). Cytogenetic location: 17q23.2.
Variant type: single nucleotide variant.
Coding change: c.3553G>T on transcript NM_032043.3 (MANE Select); coding-DNA position 3553, G replaced by T.
Protein change: p.Val1185Leu; replaces valine 1185 with leucine.
Molecular consequence: missense variant.
Genome position (GRCh38, 1-based): chr17:61,683,493, C>A on the plus strand (G>T on the coding strand, the complement: BRIP1 is on the minus strand). VCF-style: chr17-61683493-C-A. GRCh37 (hg19) VCF-style: chr17-59760854-C-A.
Other names: short protein forms V1185L.
Identifiers: ClinVar variation 577686 (VCV000577686.9), dbSNP rs1567727691, ClinGen allele CA400478283.